The following is an entry in ClinVar:

NM_006231.4(POLE):c.1109C>T (p.Pro370Leu)

Gene: POLE (DNA polymerase epsilon, catalytic subunit; minus strand). Cytogenetic location: 12q24.33.
Variant type: single nucleotide variant.
Coding change: c.1109C>T on transcript NM_006231.4 (MANE Select); coding-DNA position 1109, C replaced by T.
Protein change: p.Pro370Leu; replaces proline 370 with leucine.
Molecular consequence: missense variant.
Genome position (GRCh38, 1-based): chr12:132,675,515, G>A on the plus strand (C>T on the coding strand, the complement: POLE is on the minus strand). VCF-style: chr12-132675515-G-A. GRCh37 (hg19) VCF-style: chr12-133252101-G-A.
Other names: short protein forms P370L.
Identifiers: ClinVar variation 3935766 (VCV003935766.1).

ClinVar aggregate classification (germline): Uncertain significance (1 of 4 stars; one submission).

Conditions:
Hereditary cancer-predisposing syndrome. Also called: Tumor predisposition; Hereditary neoplastic syndrome; Hereditary Cancer Syndrome; Neoplastic Syndromes, Hereditary. Identifiers: Orphanet 140162, MedGen C0027672, MeSH D009386, MONDO:0015356.

Submission:

Ambry Genetics
Classification: Uncertain significance for Hereditary cancer-predisposing syndrome. Last evaluated: 2025-05-19. Review status: criteria provided, single submitter. Criteria: Ambry Variant Classification Scheme 2023. Collection method: clinical testing. Allele origin: germline.
Comment: The p.P370L variant (also known as c.1109C>T), located in coding exon 12 of the POLE gene, results from a C to T substitution at nucleotide position 1109. The proline at codon 370 is replaced by leucine, an amino acid with similar properties. This amino acid position is conserved. In addition, this alteration is predicted to be deleterious by in silico analysis. Based on the available evidence, the clinical significance of this variant remains unclear.